The following is an entry in ClinVar:

ClinVar aggregate classification (germline): Pathogenic (1 of 4 stars; one submission).

Allele frequency attached by ClinVar (database versions not stated): gnomAD exomes below 0.00001.

Submission:

Labcorp Genetics (formerly Invitae), Labcorp
Classification: Pathogenic. Last evaluated: 2023-09-23. Review status: criteria provided, single submitter. Criteria: Invitae Variant Classification Sherloc (09022015). Collection method: clinical testing. Allele origin: germline.
Comment: For these reasons, this variant has been classified as Pathogenic. This variant has not been reported in the literature in individuals affected with C2CD3-related conditions. This variant is not present in population databases (gnomAD no frequency). This sequence change creates a premature translational stop signal (p.Cys1114Alafs*8) in the C2CD3 gene. It is expected to result in an absent or disrupted protein product. Loss-of-function variants in C2CD3 are known to be pathogenic (PMID: 24997988, 26477546).

Literature cited by the submitters: PubMed 24997988; PubMed 26477546.

NM_001286577.2(C2CD3):c.3340del (p.Cys1114fs)

Gene: C2CD3 (C2 domain containing 3 centriole elongation regulator; minus strand). Cytogenetic location: 11q13.4.
Variant type: Deletion.
Coding change: c.3340del on transcript NM_001286577.2 (MANE Select); coding-DNA position 3340, one base deleted (T; older notation c.3340delT).
Protein change: p.Cys1114fs; shifts the reading frame from cysteine 1114.
Molecular consequence: frameshift variant.
Genome position (GRCh38, 1-based): chr11:74,093,820, A deleted on the plus strand (T on the coding strand, the reverse complement: C2CD3 is on the minus strand). VCF-style (leftmost placement, unchanged base first): chr11-74093819-CA-C. GRCh37 (hg19) VCF-style: chr11-73804864-CA-C.
Other names: c.3340del, p.Cys1114fs (NM_015531.6); short protein forms C1114fs.
Identifiers: ClinVar variation 2762861 (VCV002762861.3), dbSNP rs2496414821, ClinGen allele CA2615069207.